The following is an entry in ClinVar:

NM_000316.3(PTH1R):c.416A>G (p.Asn139Ser)

Gene: PTH1R (parathyroid hormone 1 receptor; plus strand). Cytogenetic location: 3p21.31.
Variant type: single nucleotide variant.
Coding change: c.416A>G on transcript NM_000316.3 (MANE Select); coding-DNA position 416, A replaced by G.
Protein change: p.Asn139Ser; replaces asparagine 139 with serine.
Molecular consequence: missense variant.
Genome position (GRCh38, 1-based): chr3:46,897,957, A>G. VCF-style: chr3-46897957-A-G. GRCh37 (hg19) VCF-style: chr3-46939447-A-G.
Other names: c.416A>G, p.Asn139Ser (NM_001184744.1); short protein forms N139S.
Identifiers: ClinVar variation 2748340 (VCV002748340.3), dbSNP rs2031851520, ClinGen allele CA352494716.

ClinVar aggregate classification (germline): Uncertain significance (1 of 4 stars; one submission).

Submission:

Labcorp Genetics (formerly Invitae), Labcorp
Classification: Uncertain significance. Last evaluated: 2023-07-29. Review status: criteria provided, single submitter. Criteria: Invitae Variant Classification Sherloc (09022015). Collection method: clinical testing. Allele origin: germline.
Comment: This sequence change replaces asparagine, which is neutral and polar, with serine, which is neutral and polar, at codon 139 of the PTH1R protein (p.Asn139Ser). This variant is not present in population databases (gnomAD no frequency). This variant has not been reported in the literature in individuals affected with PTH1R-related conditions. Advanced modeling of protein sequence and biophysical properties (such as structural, functional, and spatial information, amino acid conservation, physicochemical variation, residue mobility, and thermodynamic stability) performed at Invitae indicates that this missense variant is not expected to disrupt PTH1R protein function. In summary, the available evidence is currently insufficient to determine the role of this variant in disease. Therefore, it has been classified as a Variant of Uncertain Significance.